The following is an entry in ClinVar:

ClinVar aggregate classification (germline): Uncertain significance. Review status: reviewed by expert panel (3 of 4 stars). 5 submissions from 5 submitters: Uncertain significance (1). 4 of the submissions do not count toward it. Last evaluated 2025-05-16.

Conditions:
Hereditary cancer-predisposing syndrome. Also called: Hereditary neoplastic syndrome; Neoplastic Syndromes, Hereditary; Tumor predisposition; Hereditary Cancer Syndrome. Identifiers: Orphanet 140162, MedGen C0027672, MeSH D009386, MONDO:0015356.
Classic or attenuated familial adenomatous polyposis. Identifiers: MedGen CN372698, MONDO:0021057.
Familial adenomatous polyposis 1 (FAP1). Also called: FAMILIAL ADENOMATOUS POLYPOSIS 1, ATTENUATED; POLYPOSIS, ADENOMATOUS INTESTINAL. Identifiers: MedGen C2713442, MONDO:0021056, OMIM 175100. Disease mechanism: loss of function.

Submissions (5):

ClinGen InSiGHT Hereditary Colorectal Cancer/Polyposis Variant Curation Expert Panel
Classification: Uncertain significance for Familial adenomatous polyposis 1. Last evaluated: 2025-05-16. Review status: reviewed by expert panel. Criteria: ClinGen InSiGHT HCCP VCEP ACMG Specifications APC V1. Collection method: curation. Allele origin: germline. Inheritance: Autosomal dominant inheritance.
Comment: The NM_000038.6(APC):c.4735A>T variant in APC is a missense variant predicted to cause substitution of Isoleucine by Phenylalanine at amino acid position 1579 (p.Ile1579Phe). β-catenin regulated transcription activity assay in SW480 cells showed increased β-catenin regulated transcription activity indicating that this variant impacts protein function (PS3_Supporting, PMID: 18199528). This variant has been reported in 3 probands meeting phenotypic criteria, resulting in a total phenotype score of 1.5 points (PS4_Supporting [Ambry Genetics, Invitae, GeneDx]). The variant has been reported in 1 additional proband with a colorectal cancer/polyposis associated phenotype not meeting phenotypic criteria (Ambry Genetics). This variant is absent from gnomAD v2.1.1 (PM2_Supporting). APC, in which the variant was identified, is defined by the ClinGen InSiGHT Hereditary Colorectal Cancer/Polyposis VCEP (HCCP VCEP) as a gene for which primarily truncating variants are known to cause disease (BP1). In summary, this variant is a VUS for autosomal-dominant inherited FAP based on the ACMG/AMP criteria applied, as specified by the HCCP VCEP: BP1, PS3_Supporting, PS4_Supporting, PM2_Supporting (VCEP specifications version v2.1.0; date of approval 11/24/2023).

Labcorp Genetics (formerly Invitae), Labcorp
Classification: Uncertain significance for Familial adenomatous polyposis 1. Last evaluated: 2025-03-23. Review status: criteria provided, single submitter. Criteria: Invitae Variant Classification Sherloc (09022015). Collection method: clinical testing. Allele origin: germline. Not counted in ClinVar's aggregate classification.
Comment: This sequence change replaces isoleucine, which is neutral and non-polar, with phenylalanine, which is neutral and non-polar, at codon 1579 of the APC protein (p.Ile1579Phe). This variant is not present in population databases (gnomAD no frequency). This variant has not been reported in the literature in individuals affected with APC-related conditions. ClinVar contains an entry for this variant (Variation ID: 246402). Invitae Evidence Modeling of protein sequence and biophysical properties (such as structural, functional, and spatial information, amino acid conservation, physicochemical variation, residue mobility, and thermodynamic stability) indicates that this missense variant is not expected to disrupt APC protein function with a negative predictive value of 95%. In summary, the available evidence is currently insufficient to determine the role of this variant in disease. Therefore, it has been classified as a Variant of Uncertain Significance.

Ambry Genetics
Classification: Pathogenic for Hereditary cancer-predisposing syndrome. Last evaluated: 2024-06-24. Review status: criteria provided, single submitter. Criteria: Ambry Variant Classification Scheme 2023. Collection method: clinical testing. Allele origin: germline. Not counted in ClinVar's aggregate classification.
Comment: The p.I1579F variant (also known as c.4735A>T), located in coding exon 15 of the APC gene, results from an A to T substitution at nucleotide position 4735. The isoleucine at codon 1579 is replaced by phenylalanine, an amino acid with highly similar properties. This alteration has been observed in multiple individuals with a personal and/or family history that is consistent with APC-related disease (Ambry internal data; Personal communication). This amino acid position is highly conserved in available vertebrate species. In addition, in silico predictors for this gene do not accurately predict pathogenicity. Based on the supporting evidence, this variant is interpreted as a disease-causing mutation.

All of Us Research Program, National Institutes of Health
Classification: Uncertain significance for Classic or attenuated familial adenomatous polyposis. Last evaluated: 2023-10-23. Review status: criteria provided, single submitter. Criteria: ACMG Guidelines, 2015. Collection method: clinical testing. Allele origin: germline. Inheritance: Autosomal dominant inheritance. Observed: 2 variant alleles, 2 heterozygotes. Not counted in ClinVar's aggregate classification.
Comment: This missense variant replaces isoleucine with phenylalanine at codon 1579 of the APC protein. Computational prediction suggests that this variant may have deleterious impact on protein structure and function (internally defined REVEL score threshold >= 0.7, PMID: 27666373). To our knowledge, functional studies have not been reported for this variant. This variant has not been reported in individuals affected with APC-related disorders in the literature. This variant has not been identified in the general population by the Genome Aggregation Database (gnomAD). The available evidence is insufficient to determine the role of this variant in disease conclusively. Therefore, this variant is classified as a Variant of Uncertain Significance.

This study involves interpretation of variants in research participants for the purpose of population health screening. Participant phenotype was not available at the time of variant classification. Additional details can be found in publication PMID: 35346344, PMCID: PMC8962531

GeneDx
Classification: Uncertain significance. Last evaluated: 2023-07-20. Review status: criteria provided, single submitter. Criteria: GeneDx Variant Classification Process June 2021. Collection method: clinical testing. Allele origin: germline. Affected: yes. Not counted in ClinVar's aggregate classification.
Comment: Not observed at significant frequency in large population cohorts (gnomAD); In silico analysis supports that this missense variant has a deleterious effect on protein structure/function; Has not been previously published as pathogenic or benign to our knowledge; This variant is associated with the following publications: (PMID: 18199528, 27377421)

Literature cited by the submitters: PubMed 18199528 (cited by ClinGen InSiGHT Hereditary Colorectal Cancer/Polyposis Variant Curation Expert Panel).

NM_000038.6(APC):c.4735A>T (p.Ile1579Phe)

Gene: APC (APC regulator of Wnt signaling pathway; plus strand). Cytogenetic location: 5q22.2.
Variant type: single nucleotide variant.
Coding change: c.4735A>T on transcript NM_000038.6 (MANE Select); coding-DNA position 4735, A replaced by T.
Protein change: p.Ile1579Phe; replaces isoleucine 1579 with phenylalanine.
Molecular consequence: missense variant.
Genome position (GRCh38, 1-based): chr5:112,840,329, A>T. VCF-style: chr5-112840329-A-T. GRCh37 (hg19) VCF-style: chr5-112176026-A-T.
Other names: NM_000038.6(APC):c.4735A>T; p.Ile1579Phe; c.4357A>T, p.Ile1453Phe (NM_001354904.2); c.4255A>T, p.Ile1419Phe (NM_001354905.2); c.3886A>T, p.Ile1296Phe (NM_001354906.2); c.4735A>T, p.Ile1579Phe (NM_001127510.3, NM_001354895.2); c.4681A>T, p.Ile1561Phe (NM_001127511.3); c.4789A>T, p.Ile1597Phe (NM_001354896.2); and 7 more; short protein forms I1561F, I1579F, I1419F, I1478F, I1488F, I1520F, I1551F, I1296F.
Identifiers: ClinVar variation 246402 (VCV000246402.19), dbSNP rs587781935, ClinGen allele CA10584253.